The following is an entry in ClinVar:

ClinVar aggregate classification (germline): Benign (1 of 4 stars; one submission).

Allele frequency attached by ClinVar (database versions not stated): 1000 Genomes Project 0.28435; 1000 Genomes Project 30x 0.28935; gnomAD 0.30370 and 0.30687; TOPMed 0.32257.
gnomAD v4.1: 46,194 of 152,068 alleles (30%); highest among the groups gnomAD compares: Admixed American, 41%; 7,254 homozygotes.

Submission:

GeneDx
Classification: Benign. Last evaluated: 2018-06-14. Review status: criteria provided, single submitter. Criteria: GeneDx Variant Classification (06012015). Collection method: clinical testing. Allele origin: germline. Affected: yes.
Comment: This variant is considered likely benign or benign based on one or more of the following criteria: it is a conservative change, it occurs at a poorly conserved position in the protein, it is predicted to be benign by multiple in silico algorithms, and/or has population frequency not consistent with disease.

NM_006939.4(SOS2):c.3490-294T>C

Gene: SOS2 (SOS Ras/Rho guanine nucleotide exchange factor 2; minus strand). Cytogenetic location: 14q21.3.
Variant type: single nucleotide variant.
Coding change: c.3490-294T>C on transcript NM_006939.4 (MANE Select); 294 bases into the intron before coding-DNA position 3490, T replaced by C.
Molecular consequence: intron variant.
Genome position (GRCh38, 1-based): chr14:50,119,147, A>G on the plus strand (T>C on the coding strand, the complement: SOS2 is on the minus strand). VCF-style: chr14-50119147-A-G. GRCh37 (hg19) VCF-style: chr14-50585865-A-G.
Identifiers: ClinVar variation 561872 (VCV000561872.1), dbSNP rs7156414, ClinGen allele CA15808966.